The following is an entry in ClinVar:

ClinVar aggregate classification (somatic clinical impact): Tier I - Strong (1 of 4 stars; one submission).

Conditions:
Diffuse glioma, H3 G34 mutant. Identifiers: MedGen CN377580, MONDO:0957197.

Submission:

Institute for Genomic Medicine (IGM) Clinical Laboratory, Nationwide Children's Hospital
Classification: Tier I - Strong for Diffuse glioma, H3 G34 mutant. Assertion type: diagnostic. Clinical significance: supports diagnosis. Last evaluated: 2023-11-27. Review status: criteria provided, single submitter. Criteria: AMP/ASCO/CAP Guidelines, 2017. Collection method: clinical testing. Allele origin: somatic. Affected: yes.
Comment: Variant has Tier I (strong) clinical significance as a diagnostic inclusion criterion in diffuse glioma, H3 G34 mutant, based on the following evidence: 1) Documented in one or more cancer databases (e.g., St. Jude Pecan, COSMIC, CIViC, OncoKB). 2) Diagnostic for a specific tumor type/classification based on well-powered studies with expert-level consensus (Evidence Level B; PMIDs: 24705251, 25230881, 28966033, 29763623, 24705250, 33259802, 35195909).

Literature cited by the submitters: PubMed 24705251; PubMed 25230881; PubMed 28966033; PubMed 29763623; PubMed 24705250; PubMed 33259802; PubMed 35195909.

NM_006206.6(PDGFRA):c.685G>A (p.Glu229Lys)

Gene: PDGFRA (platelet derived growth factor receptor alpha; plus strand). Cytogenetic location: 4q12.
Variant type: single nucleotide variant.
Coding change: c.685G>A on transcript NM_006206.6 (MANE Select); coding-DNA position 685, G replaced by A.
Protein change: p.Glu229Lys; replaces glutamic acid 229 with lysine.
Molecular consequence: missense variant.
Genome position (GRCh38, 1-based): chr4:54,264,975, G>A. VCF-style: chr4-54264975-G-A. GRCh37 (hg19) VCF-style: chr4-55131142-G-A.
Other names: c.685G>A, p.Glu229Lys (NM_001347827.2, NM_001347829.2); c.760G>A, p.Glu254Lys (NM_001347828.2); c.724G>A, p.Glu242Lys (NM_001347830.2); short protein forms E229K, E242K, E254K.
Identifiers: ClinVar variation 4530338 (VCV004530338.1).